The following is an entry in ClinVar:

NM_001065.4(TNFRSF1A):c.172T>G (p.Cys58Gly)

Gene: TNFRSF1A (TNF receptor superfamily member 1A; minus strand). Cytogenetic location: 12p13.31.
Variant type: single nucleotide variant.
Coding change: c.172T>G on transcript NM_001065.4 (MANE Select); coding-DNA position 172, T replaced by G.
Protein change: p.Cys58Gly; replaces cysteine 58 with glycine.
Molecular consequence: missense variant. On other transcripts: 5 prime UTR variant (1), non-coding transcript variant (1), intron variant (1).
Genome position (GRCh38, 1-based): chr12:6,334,112, A>C on the plus strand (T>G on the coding strand, the complement: TNFRSF1A is on the minus strand). VCF-style: chr12-6334112-A-C. GRCh37 (hg19) VCF-style: chr12-6443278-A-C.
Other names: c.-406T>G (NM_001346092.2); c.-131-247T>G (NM_001346091.2); short protein forms C58G.
Identifiers: ClinVar variation 1509170 (VCV001509170.6), dbSNP rs2136823066, ClinGen allele CA383550871.

ClinVar aggregate classification (germline): Likely pathogenic (1 of 4 stars; one submission).

Conditions:
TNF receptor-associated periodic fever syndrome (TRAPS) (FPF). Also called: TNF Receptor-Associated Periodic Fever Syndrome; TNF receptor 1-associated periodic fever syndrome; FAMILIAL HIBERNIAN FEVER; TNF RECEPTOR-ASSOCIATED PERIODIC SYNDROME; TUMOR NECROSIS FACTOR RECEPTOR-ASSOCIATED PERIODIC SYNDROME; Autosomal Dominant Familial Periodic Fever. Identifiers: Orphanet 32960, MedGen C1275126, MONDO:0007727, OMIM 142680.

Submission:

Labcorp Genetics (formerly Invitae), Labcorp
Classification: Likely pathogenic for TNF receptor-associated periodic fever syndrome (TRAPS). Last evaluated: 2024-02-24. Review status: criteria provided, single submitter. Criteria: Invitae Variant Classification Sherloc (09022015). Collection method: clinical testing. Allele origin: germline.
Comment: This sequence change replaces cysteine, which is neutral and slightly polar, with glycine, which is neutral and non-polar, at codon 58 of the TNFRSF1A protein (p.Cys58Gly). This variant is not present in population databases (gnomAD no frequency). This variant has not been reported in the literature in individuals affected with TNFRSF1A-related conditions. ClinVar contains an entry for this variant (Variation ID: 1509170). Advanced modeling of protein sequence and biophysical properties (such as structural, functional, and spatial information, amino acid conservation, physicochemical variation, residue mobility, and thermodynamic stability) has been performed at Invitae for this missense variant, however the output from this modeling did not meet the statistical confidence thresholds required to predict the impact of this variant on TNFRSF1A protein function. This variant disrupts the p.Cys58 amino acid residue in TNFRSF1A. Other variant(s) that disrupt this residue have been observed in individuals with TNFRSF1A-related conditions (PMID: 11700162, 19541728, 20532935), which suggests that this may be a clinically significant amino acid residue. In summary, the currently available evidence indicates that the variant is pathogenic, but additional data are needed to prove that conclusively. Therefore, this variant has been classified as Likely Pathogenic.

Literature cited by the submitters: PubMed 11700162; PubMed 19541728; PubMed 20532935.